The following is an entry in ClinVar:

NM_001042492.3(NF1):c.2924A>G (p.His975Arg)

Gene: NF1 (neurofibromin 1; plus strand). Cytogenetic location: 17q11.2.
Variant type: single nucleotide variant.
Coding change: c.2924A>G on transcript NM_001042492.3 (MANE Select); coding-DNA position 2924, A replaced by G.
Protein change: p.His975Arg; replaces histidine 975 with arginine.
Molecular consequence: missense variant.
Genome position (GRCh38, 1-based): chr17:31,229,908, A>G. VCF-style: chr17-31229908-A-G. GRCh37 (hg19) VCF-style: chr17-29556926-A-G.
Other names: c.2924A>G, p.His975Arg (NM_000267.4); short protein forms H975R.
Identifiers: ClinVar variation 2712209 (VCV002712209.4), dbSNP rs2151430675, ClinGen allele CA398986214.

ClinVar aggregate classification (germline): Uncertain significance. Review status: criteria provided, multiple submitters, no conflicts (2 of 4 stars). 2 submissions from 2 submitters: Uncertain significance (2). Last evaluated 2024-02-24.

Conditions:
Hereditary cancer-predisposing syndrome. Also called: Neoplastic Syndromes, Hereditary; Hereditary neoplastic syndrome; Tumor predisposition; Hereditary Cancer Syndrome. Identifiers: Orphanet 140162, MedGen C0027672, MeSH D009386, MONDO:0015356.
Cardiovascular phenotype. Identifiers: MedGen CN230736.
Neurofibromatosis, type 1 (NF1). Also called: Peripheral type neurofibromatosis; VON RECKLINGHAUSEN DISEASE; NEUROFIBROMATOSIS, TYPE I, SOMATIC; Neurofibromatosis, type I. Identifiers: Orphanet 636, MedGen C0027831, MONDO:0018975, OMIM 162200. Disease mechanism: loss of function.

Submissions (2):

Ambry Genetics
Classification: Uncertain significance for Cardiovascular phenotype; Hereditary cancer-predisposing syndrome. Last evaluated: 2024-02-24. Review status: criteria provided, single submitter. Criteria: Ambry Variant Classification Scheme 2023. Collection method: clinical testing. Allele origin: germline.
Comment: The p.H975R variant (also known as c.2924A>G), located in coding exon 22 of the NF1 gene, results from an A to G substitution at nucleotide position 2924. The histidine at codon 975 is replaced by arginine, an amino acid with highly similar properties. This amino acid position is conserved. In addition, the in silico prediction for this alteration is inconclusive. Based on the available evidence, the clinical significance of this alteration remains unclear.

Labcorp Genetics (formerly Invitae), Labcorp
Classification: Uncertain significance for Neurofibromatosis, type 1. Last evaluated: 2024-01-27. Review status: criteria provided, single submitter. Criteria: Invitae Variant Classification Sherloc (09022015). Collection method: clinical testing. Allele origin: germline.
Comment: This sequence change replaces histidine, which is basic and polar, with arginine, which is basic and polar, at codon 975 of the NF1 protein (p.His975Arg). This variant is not present in population databases (gnomAD no frequency). This variant has not been reported in the literature in individuals affected with NF1-related conditions. Advanced modeling of protein sequence and biophysical properties (such as structural, functional, and spatial information, amino acid conservation, physicochemical variation, residue mobility, and thermodynamic stability) performed at Invitae indicates that this missense variant is not expected to disrupt NF1 protein function with a negative predictive value of 95%. In summary, the available evidence is currently insufficient to determine the role of this variant in disease. Therefore, it has been classified as a Variant of Uncertain Significance.